The following is an entry in ClinVar:

ClinVar aggregate classification (germline): Uncertain significance (1 of 4 stars; one submission).

Conditions:
Hereditary cancer-predisposing syndrome. Also called: Neoplastic Syndromes, Hereditary; Hereditary Cancer Syndrome; Tumor predisposition; Hereditary neoplastic syndrome. Identifiers: Orphanet 140162, MedGen C0027672, MeSH D009386, MONDO:0015356.

Submission:

Ambry Genetics
Classification: Uncertain significance for Hereditary cancer-predisposing syndrome. Last evaluated: 2025-02-03. Review status: criteria provided, single submitter. Criteria: Ambry Variant Classification Scheme 2023. Collection method: clinical testing. Allele origin: germline.
Comment: The p.R259G variant (also known as c.775C>G), located in coding exon 8 of the POLE gene, results from a C to G substitution at nucleotide position 775. The arginine at codon 259 is replaced by glycine, an amino acid with dissimilar properties. This amino acid position is conserved. In addition, the in silico prediction for this alteration is inconclusive. Based on the available evidence, the clinical significance of this variant remains unclear.

NM_006231.4(POLE):c.775C>G (p.Arg259Gly)

Gene: POLE (DNA polymerase epsilon, catalytic subunit; minus strand). Cytogenetic location: 12q24.33.
Variant type: single nucleotide variant.
Coding change: c.775C>G on transcript NM_006231.4 (MANE Select); coding-DNA position 775, C replaced by G.
Protein change: p.Arg259Gly; replaces arginine 259 with glycine.
Molecular consequence: missense variant.
Genome position (GRCh38, 1-based): chr12:132,677,389, G>C on the plus strand (C>G on the coding strand, the complement: POLE is on the minus strand). VCF-style: chr12-132677389-G-C. GRCh37 (hg19) VCF-style: chr12-133253975-G-C.
Other names: short protein forms R259G.
Identifiers: ClinVar variation 3781503 (VCV003781503.1).
Genomic context (GRCh38, chr12:132,677,389, plus strand): 5'-ATTTTAGGATGAAGGTAACACAAGCAAAACTTACAGGTCGTTCAACAAGGTCATCTCGGC[G>C]GGTGATTTCTACCGGAAAAGCATTTCCTCGGTATCTGACATTGTACCAATGAGCCTGCAA-3'
Protein context (NP_006222.2, residues 249-269): RGNAFPVEIT[Arg259Gly]RDDLVERPDP